The following is an entry in ClinVar:

NM_001349338.3(FOXP1):c.1329C>G (p.Tyr443Ter)

Gene: FOXP1 (forkhead box P1; minus strand). Cytogenetic location: 3p13.
Variant type: single nucleotide variant.
Coding change: c.1329C>G on transcript NM_001349338.3 (MANE Select); coding-DNA position 1329, C replaced by G.
Protein change: p.Tyr443Ter; replaces tyrosine 443 with a stop codon.
Molecular consequence: nonsense. On other transcripts: non-coding transcript variant (2).
Genome position (GRCh38, 1-based): chr3:70,977,847, G>C on the plus strand (C>G on the coding strand, the complement: FOXP1 is on the minus strand). VCF-style: chr3-70977847-G-C. GRCh37 (hg19) VCF-style: chr3-71026998-G-C.
Other names: c.1329C>G, p.Tyr443Ter (NM_001244808.3, NM_001244810.2, NM_001244814.3 and 3 more transcripts); c.1101C>G, p.Tyr367Ter (NM_001244812.3); c.1029C>G, p.Tyr343Ter (NM_001244813.3, NM_001244815.2, NM_001349342.3 and 1 more transcripts); c.1026C>G, p.Tyr342Ter (NM_001349337.2, NM_001349343.3, NM_001349344.3); c.1326C>G, p.Tyr442Ter (NM_001349341.3); short protein forms Y443*, Y342*, Y343*, Y367*, Y442*.
Identifiers: ClinVar variation 419546 (VCV000419546.2), dbSNP rs1064793944, ClinGen allele CA16618007.

ClinVar aggregate classification (germline): Pathogenic (1 of 4 stars; one submission).

Submission:

GeneDx
Classification: Pathogenic. Last evaluated: 2015-08-06. Review status: criteria provided, single submitter. Criteria: GeneDx Variant Classification (06012015). Collection method: clinical testing. Allele origin: germline. Affected: yes.
Comment: The Y443X variant in the FOXP1 gene has not been reported previously as a pathogenic variant noras a benign polymorphism, to our knowledge. This variant is predicted to cause loss of normal proteinfunction either through protein truncation or nonsense-mediated mRNA decay. The Y443X variant was notobserved in approximately 6500 individuals of European and African American ancestry in the NHLBI ExomeSequencing Project, indicating it is not a common benign variant in these populations. We interpret Y443X asa pathogenic variant.